The following is an entry in ClinVar:

ClinVar aggregate classification (germline): Likely benign (0 of 4 stars; one submission).

Conditions:
SYNM-related disorder. Also called: SYNM-related condition.

Allele frequency attached by ClinVar (database versions not stated): gnomAD 0.00007.
gnomAD v4.1: 81 of 1,545,326 alleles (0.0052%); highest among the groups gnomAD compares: Non-Finnish European, 0.0034%; no homozygotes.

Submission:

PreventionGenetics, part of Exact Sciences
Classification: Likely benign for SYNM-related condition. Last evaluated: 2020-02-06. Review status: no assertion criteria provided. Collection method: clinical testing. Allele origin: germline.
Comment: This variant is classified as likely benign based on ACMG/AMP sequence variant interpretation guidelines (Richards et al. 2015 PMID: 25741868, with internal and published modifications).

NM_145728.3(SYNM):c.111A>C (p.Leu37=)

Genes: SYNM (synemin; plus strand), SYNM-AS1 (SYNM antisense RNA 1; minus strand), LOC130058014 (ATAC-STARR-seq lymphoblastoid silent region 6864; plus strand). Cytogenetic location: 15q26.3.
Variant type: single nucleotide variant.
Coding change: c.111A>C on transcript NM_145728.3 (MANE Select); coding-DNA position 111, A replaced by C.
Protein change: p.Leu37=; no amino-acid change (leucine 37 retained).
Molecular consequence: synonymous variant.
Genome position (GRCh38, 1-based): chr15:99,105,310, A>C. VCF-style: chr15-99105310-A-C. GRCh37 (hg19) VCF-style: chr15-99645516-A-C.
Other names: c.111A>C, p.Leu37= (NM_015286.6).
Identifiers: ClinVar variation 3052259 (VCV003052259.2), dbSNP rs770872839, ClinGen allele CA7753259.
Genomic context (GRCh38, chr15:99,105,310, plus strand): 5'-GCTCAACGCCCGGCTCTATGACTACGTGTGTCGGGTGCGGGAGCTGGAGCGCGAAAACCT[A>C]CTCCTGGAGGAGGAGCTGCGCGGCCGGCGCGGGCGAGAGGGCCTGTGGGCCGAGGGGCAG-3'
Protein context (NP_663780.2, residues 27-47): CRVRELEREN[Leu37=]LLEEELRGRR